The following is an entry in ClinVar:

NM_001367943.1(TCF7L2):c.528G>A (p.Arg176=)

Gene: TCF7L2 (transcription factor 7 like 2; plus strand). Cytogenetic location: 10q25.2.
Variant type: single nucleotide variant.
Coding change: c.528G>A on transcript NM_001367943.1 (MANE Select); coding-DNA position 528, G replaced by A.
Protein change: p.Arg176=; no amino-acid change (arginine 176 retained).
Molecular consequence: synonymous variant. On other transcripts: intron variant (1).
Genome position (GRCh38, 1-based): chr10:113,040,102, G>A. VCF-style: chr10-113040102-G-A. GRCh37 (hg19) VCF-style: chr10-114799861-G-A.
Other names: c.528G>A, p.Arg176= (NM_001146274.2, NM_001198531.2, NM_001363501.2); c.459G>A, p.Arg153= (NM_001146283.2, NM_001146284.2, NM_001146285.2 and 7 more transcripts); c.381+88495G>A (NM_001198530.2).
Identifiers: ClinVar variation 3037224 (VCV003037224.2), dbSNP rs140603697, ClinGen allele CA5692855.

ClinVar aggregate classification (germline): Likely benign (0 of 4 stars; one submission).

Conditions:
TCF7L2-related disorder. Also called: TCF7L2-related condition.

Allele frequency attached by ClinVar (database versions not stated): ExAC 0.00002; gnomAD exomes 0.00002; ESP Exome Variant Server 0.00008; TOPMed 0.00009; gnomAD 0.00010; 1000 Genomes Project 30x 0.00016; 1000 Genomes Project 0.00020.
gnomAD v4.1: 39 of 1,613,828 alleles (0.0024%); highest among the groups gnomAD compares: African/African-American, 0.035%; no homozygotes.

Submission:

PreventionGenetics, part of Exact Sciences
Classification: Likely benign for TCF7L2-related condition. Last evaluated: 2020-01-02. Review status: no assertion criteria provided. Collection method: clinical testing. Allele origin: germline.
Comment: This variant is classified as likely benign based on ACMG/AMP sequence variant interpretation guidelines (Richards et al. 2015 PMID: 25741868, with internal and published modifications).